The following is an entry in ClinVar:

ClinVar aggregate classification (germline): Uncertain significance. Review status: criteria provided, multiple submitters, no conflicts (2 of 4 stars). 3 submissions from 3 submitters: Uncertain significance (3). Last evaluated 2026-07-07.

Conditions:
Hereditary cancer-predisposing syndrome. Also called: Hereditary Cancer Syndrome; Neoplastic Syndromes, Hereditary; Hereditary neoplastic syndrome; Tumor predisposition. Identifiers: Orphanet 140162, MedGen C0027672, MeSH D009386, MONDO:0015356.
Retinoblastoma (RB1). Also called: RETINOBLASTOMA, SOMATIC. Identifiers: Orphanet 790, MedGen C0035335, MeSH D012175, MONDO:0008380, OMIM 180200, HP:0009919. Disease mechanism: loss of function. Inheritance: Both sporadic and heritable forms are tested..

Submissions (3):

Ambry Genetics
Classification: Uncertain significance for Hereditary cancer-predisposing syndrome. Last evaluated: 2026-07-07. Review status: criteria provided, single submitter. Criteria: Ambry Variant Classification Scheme 2023. Collection method: clinical testing. Allele origin: germline.
Comment: The p.Y321H variant (also known as c.961T>C), located in coding exon 10 of the RB1 gene, results from a T to C substitution at nucleotide position 961. The tyrosine at codon 321 is replaced by histidine, an amino acid with similar properties. This amino acid position is conserved. In addition, this alteration is predicted to be deleterious by in silico analysis. Based on the available evidence, the clinical significance of this variant remains unclear.

GeneDx
Classification: Uncertain significance. Last evaluated: 2025-06-13. Review status: criteria provided, single submitter. Criteria: GeneDx Variant Classification Process June 2021. Collection method: clinical testing. Allele origin: germline. Affected: yes.
Comment: Not observed at significant frequency in large population cohorts (gnomAD); In silico analysis supports that this missense variant has a deleterious effect on protein structure/function; Has not been previously published as pathogenic or benign to our knowledge; This variant is associated with the following publications: (PMID: 23516486)

Labcorp Genetics (formerly Invitae), Labcorp
Classification: Uncertain significance for Retinoblastoma. Last evaluated: 2020-12-09. Review status: criteria provided, single submitter. Criteria: Invitae Variant Classification Sherloc (09022015). Collection method: clinical testing. Allele origin: germline.
Comment: This sequence change replaces tyrosine with histidine at codon 321 of the RB1 protein (p.Tyr321His). The tyrosine residue is highly conserved and there is a moderate physicochemical difference between tyrosine and histidine. This variant is not present in population databases (ExAC no frequency). This variant has not been reported in the literature in individuals with RB1-related conditions. Advanced modeling of protein sequence and biophysical properties (such as structural, functional, and spatial information, amino acid conservation, physicochemical variation, residue mobility, and thermodynamic stability) performed at Invitae indicates that this missense variant is expected to disrupt RB1 protein function. In summary, the available evidence is currently insufficient to determine the role of this variant in disease. Therefore, it has been classified as a Variant of Uncertain Significance.

NM_000321.3(RB1):c.961T>C (p.Tyr321His)

Gene: RB1 (RB transcriptional corepressor 1; plus strand). Cytogenetic location: 13q14.2.
Variant type: single nucleotide variant.
Coding change: c.961T>C on transcript NM_000321.3 (MANE Select); coding-DNA position 961, T replaced by C.
Protein change: p.Tyr321His; replaces tyrosine 321 with histidine.
Molecular consequence: missense variant.
Genome position (GRCh38, 1-based): chr13:48,367,515, T>C. VCF-style: chr13-48367515-T-C. GRCh37 (hg19) VCF-style: chr13-48941651-T-C.
Other names: c.961T>C (NM_000321.2); short protein forms Y321H.
Identifiers: ClinVar variation 1396356 (VCV001396356.10), dbSNP rs2138121056, ClinGen allele CA388160636.